The following is an entry in ClinVar:

NM_000053.4(ATP7B):c.2662A>T (p.Thr888Ser)

Gene: ATP7B (ATPase copper transporting beta; minus strand). Cytogenetic location: 13q14.3.
Variant type: single nucleotide variant.
Coding change: c.2662A>T on transcript NM_000053.4 (MANE Select); coding-DNA position 2662, A replaced by T.
Protein change: p.Thr888Ser; replaces threonine 888 with serine.
Molecular consequence: missense variant.
Genome position (GRCh38, 1-based): chr13:51,950,075, T>A on the plus strand (A>T on the coding strand, the complement: ATP7B is on the minus strand). VCF-style: chr13-51950075-T-A. GRCh37 (hg19) VCF-style: chr13-52524211-T-A.
Other names: c.2329A>T, p.Thr777Ser (NM_001243182.2); c.2428A>T, p.Thr810Ser (NM_001330578.2); c.2410A>T, p.Thr804Ser (NM_001330579.2); c.2176A>T, p.Thr726Ser (NM_001005918.3); short protein forms T888S, T777S, T810S, T726S, T804S.
Identifiers: ClinVar variation 1516399 (VCV001516399.11), dbSNP rs1455758826, ClinGen allele CA388034459.

ClinVar aggregate classification (germline): Conflicting classifications of pathogenicity. Review status: criteria provided, conflicting classifications (1 of 4 stars). 9 submissions from 9 submitters: Likely pathogenic (3); Uncertain significance (6). Last evaluated 2026-07-06.

Conditions:
Inborn genetic diseases. Identifiers: MedGen C0950123, MeSH D030342.
Wilson disease (WND). Also called: Wilson's disease. Identifiers: Orphanet 905, MedGen C0019202, MONDO:0010200, OMIM 277900. Disease mechanism: loss of function.

gnomAD v4.1: 6 of 1,614,142 alleles (0.00037%); highest among the groups gnomAD compares: East Asian, 0.0045%; no homozygotes.

Submissions (9):

Myriad Genetics, Inc.
Classification: Uncertain significance for Wilson disease. Last evaluated: 2026-07-06. Review status: criteria provided, single submitter. Criteria: Myriad Autosomal Dominant, Autosomal Recessive and X-Linked Classification Criteria (2023). Collection method: clinical testing. Allele origin: unknown.
Comment: NM_000053.3(ATP7B):c.2662A>T(T888S) is a missense variant classified as a variant of uncertain significance in the context of Wilson disease. T888S has been observed in cases with relevant disease (PMID: 39446378). Relevant functional assessments of this variant are not available in the literature. T888S has not been observed in referenced population frequency databases. In summary, there is insufficient evidence to classify NM_000053.3(ATP7B):c.2662A>T(T888S) as pathogenic or benign. Please note: this variant was assessed in the context of healthy population screening.

First Genomix Gene Laboratory, Genetic Diagnostics Department
Classification: Likely pathogenic for Wilson disease. Last evaluated: 2025-01-11. Review status: criteria provided, single submitter. Criteria: ACMG Guidelines, 2015. Collection method: clinical testing. Allele origin: germline. Inheritance: Autosomal recessive inheritance. Affected: no. Observed: 1 variant allele.

Lildballe Lab, Aarhus University Hospital
Classification: Likely pathogenic for Wilson disease. Last evaluated: 2024-08-29. Review status: criteria provided, single submitter. Criteria: ACMG Guidelines, 2015. Collection method: clinical testing. Allele origin: germline. Affected: yes.
Comment: PM3, PM2, PP3, PP2

Fulgent Genetics
Classification: Uncertain significance for Wilson disease. Last evaluated: 2024-04-26. Review status: criteria provided, single submitter. Criteria: ACMG Guidelines, 2015. Collection method: clinical testing. Allele origin: germline.

All of Us Research Program, National Institutes of Health
Classification: Uncertain significance for Wilson disease. Last evaluated: 2023-11-20. Review status: criteria provided, single submitter. Criteria: ACMG Guidelines, 2015. Collection method: clinical testing. Allele origin: germline. Inheritance: Autosomal recessive inheritance. Observed: 4 variant alleles, 4 heterozygotes.
Comment: This missense variant replaces threonine with serine at codon 888 of the ATP7B protein. Computational prediction suggests that this variant may have deleterious impact on protein structure and function (internally defined REVEL score threshold >= 0.7, PMID: 27666373). To our knowledge, functional studies have not been reported for this variant. This variant has not been reported in individuals affected with Wilson disease in the literature. This variant has not been identified in the general population by the Genome Aggregation Database (gnomAD). The available evidence is insufficient to determine the role of this variant in disease conclusively. Therefore, this variant is classified as a Variant of Uncertain Significance.

This study involves interpretation of variants in research participants for the purpose of population health screening. Participant phenotype was not available at the time of variant classification. Additional details can be found in publication PMID: 35346344, PMCID: PMC8962531

GeneDx
Classification: Uncertain significance. Last evaluated: 2023-01-06. Review status: criteria provided, single submitter. Criteria: GeneDx Variant Classification Process June 2021. Collection method: clinical testing. Allele origin: germline. Affected: yes.
Comment: Not observed at significant frequency in large population cohorts (gnomAD); In silico analysis supports that this missense variant has a deleterious effect on protein structure/function; Has not been previously published as pathogenic or benign to our knowledge

Labcorp Genetics (formerly Invitae), Labcorp
Classification: Likely pathogenic for Wilson disease. Last evaluated: 2022-10-06. Review status: criteria provided, single submitter. Criteria: Invitae Variant Classification Sherloc (09022015). Collection method: clinical testing. Allele origin: germline.
Comment: This sequence change replaces threonine, which is neutral and polar, with serine, which is neutral and polar, at codon 888 of the ATP7B protein (p.Thr888Ser). This variant is not present in population databases (gnomAD no frequency). This variant has not been reported in the literature in individuals affected with ATP7B-related conditions. ClinVar contains an entry for this variant (Variation ID: 1516399). Advanced modeling of protein sequence and biophysical properties (such as structural, functional, and spatial information, amino acid conservation, physicochemical variation, residue mobility, and thermodynamic stability) performed at Invitae indicates that this missense variant is not expected to disrupt ATP7B protein function. This variant disrupts the p.Thr888 amino acid residue in ATP7B. Other variant(s) that disrupt this residue have been determined to be pathogenic (PMID: 23843956, 27398169). This suggests that this residue is clinically significant, and that variants that disrupt this residue are likely to be disease-causing. In summary, the currently available evidence indicates that the variant is pathogenic, but additional data are needed to prove that conclusively. Therefore, this variant has been classified as Likely Pathogenic.

Color Diagnostics, LLC DBA Color Health
Classification: Uncertain significance for Wilson disease. Last evaluated: 2022-08-02. Review status: criteria provided, single submitter. Criteria: ACMG Guidelines, 2015. Collection method: clinical testing. Allele origin: germline.
Comment: This missense variant replaces threonine with serine at codon 888 of the ATP7B protein. Computational prediction suggests that this variant may have deleterious impact on protein structure and function. To our knowledge, functional studies have not been reported for this variant. This variant has not been reported in individuals affected with Wilson disease in the literature. This variant has not been identified in the general population by the Genome Aggregation Database (gnomAD). The available evidence is insufficient to determine the role of this variant in disease conclusively. Therefore, this variant is classified as a Variant of Uncertain Significance.

Ambry Genetics
Classification: Uncertain significance for Inborn genetic diseases. Last evaluated: 2022-06-01. Review status: criteria provided, single submitter. Criteria: Ambry Variant Classification Scheme 2023. Collection method: clinical testing. Allele origin: germline.

Literature cited by the submitters: PubMed 39446378 (cited by Myriad Genetics, Inc.); PubMed 23843956 (cited by Labcorp Genetics (formerly Invitae), Labcorp); PubMed 27398169 (cited by Labcorp Genetics (formerly Invitae), Labcorp).